The following is an entry in ClinVar:

ClinVar aggregate classification (germline): Likely benign (0 of 4 stars; one submission).

Conditions:
BBS4-related disorder. Also called: BBS4-related condition.

gnomAD v4.1: 1 of 1,613,384 alleles (0.000062%); highest among the groups gnomAD compares: South Asian, 0.0011%; no homozygotes.

Submission:

PreventionGenetics, part of Exact Sciences
Classification: Likely benign for BBS4-related condition. Last evaluated: 2020-10-09. Review status: no assertion criteria provided. Collection method: clinical testing. Allele origin: germline.
Comment: This variant is classified as likely benign based on ACMG/AMP sequence variant interpretation guidelines (Richards et al. 2015 PMID: 25741868, with internal and published modifications).

NM_033028.5(BBS4):c.1044G>T (p.Leu348=)

Gene: BBS4 (Bardet-Biedl syndrome 4; plus strand). Cytogenetic location: 15q24.1.
Variant type: single nucleotide variant.
Coding change: c.1044G>T on transcript NM_033028.5 (MANE Select); coding-DNA position 1044, G replaced by T.
Protein change: p.Leu348=; no amino-acid change (leucine 348 retained).
Molecular consequence: synonymous variant. On other transcripts: non-coding transcript variant (2).
Genome position (GRCh38, 1-based): chr15:72,735,120, G>T. VCF-style: chr15-72735120-G-T. GRCh37 (hg19) VCF-style: chr15-73027461-G-T.
Other names: c.528G>T, p.Leu176= (NM_001252678.2); c.975G>T, p.Leu325= (NM_001320665.2).
Identifiers: ClinVar variation 3032626 (VCV003032626.2), dbSNP rs764816067, ClinGen allele CA491119723.